The following is an entry in ClinVar:

ClinVar aggregate classification (germline): Uncertain significance (1 of 4 stars; one submission).

Conditions:
X-linked myopathy with postural muscle atrophy. Also called: FHL1-Related Emery-Dreifuss Muscular Dystrophy, X-Linked. Identifiers: Orphanet 178461, MedGen C2678055, MONDO:0010401, OMIM 300696.

Submission:

Labcorp Genetics (formerly Invitae), Labcorp
Classification: Uncertain significance for X-linked myopathy with postural muscle atrophy. Last evaluated: 2024-12-05. Review status: criteria provided, single submitter. Criteria: Invitae Variant Classification Sherloc (09022015). Collection method: clinical testing. Allele origin: germline.
Comment: This sequence change replaces cysteine, which is neutral and slightly polar, with tyrosine, which is neutral and polar, at codon 68 of the FHL1 protein (p.Cys68Tyr). This variant is not present in population databases (gnomAD no frequency). This variant has not been reported in the literature in individuals affected with FHL1-related conditions. An algorithm developed to predict the effect of missense changes on protein structure and function (PolyPhen-2) suggests that this variant is likely to be disruptive. In summary, the available evidence is currently insufficient to determine the role of this variant in disease. Therefore, it has been classified as a Variant of Uncertain Significance.

NM_001159699.2(FHL1):c.251G>A (p.Cys84Tyr)

Gene: FHL1 (four and a half LIM domains 1; plus strand). Cytogenetic location: Xq26.3.
Variant type: single nucleotide variant.
Coding change: c.251G>A on transcript NM_001159699.2 (MANE Select); coding-DNA position 251, G replaced by A.
Protein change: p.Cys84Tyr; replaces cysteine 84 with tyrosine.
Molecular consequence: missense variant. On other transcripts: non-coding transcript variant (1).
Genome position (GRCh38, 1-based): chrX:136,207,062, G>A. VCF-style: chrX-136207062-G-A. GRCh37 (hg19) VCF-style: chrX-135289221-G-A.
Other names: c.203G>A, p.Cys68Tyr (NM_001369328.1, NM_001369329.1, NM_001369330.1 and 9 more transcripts); c.290G>A, p.Cys97Tyr (NM_001159701.2); c.251G>A, p.Cys84Tyr (NM_001330659.2); short protein forms C68Y, C84Y, C97Y.
Identifiers: ClinVar variation 3725083 (VCV003725083.2).